The following is an entry in ClinVar:

NM_014874.4(MFN2):c.870C>T (p.Gly290=)

Gene: MFN2 (mitofusin 2; plus strand). Cytogenetic location: 1p36.22.
Variant type: single nucleotide variant.
Coding change: c.870C>T on transcript NM_014874.4 (MANE Select); coding-DNA position 870, C replaced by T.
Protein change: p.Gly290=; no amino-acid change (glycine 290 retained).
Molecular consequence: synonymous variant.
Genome position (GRCh38, 1-based): chr1:12,001,454, C>T. VCF-style: chr1-12001454-C-T. GRCh37 (hg19) VCF-style: chr1-12061511-C-T.
Other names: c.870C>T, p.Gly290= (NM_001127660.2).
Identifiers: ClinVar variation 390686 (VCV000390686.41), dbSNP rs368302487, ClinGen allele CA598954.

ClinVar aggregate classification (germline): Likely benign. Review status: criteria provided, multiple submitters, no conflicts (2 of 4 stars). 10 submissions from 10 submitters: Likely benign (7). 3 of the submissions do not count toward it. Last evaluated 2025-12-16.

Conditions:
MFN2-related disorder. Also called: MFN2-related condition; MFN2-related disorders.
Inborn genetic diseases. Identifiers: MedGen C0950123, MeSH D030342.
Charcot-Marie-Tooth disease type 2. Also called: Charcot-Marie-Tooth type 2. Identifiers: Orphanet 64746, MedGen C0270914, MONDO:0018993.
Charcot-Marie-Tooth disease. Also called: Charcot-Marie-Tooth Hereditary Neuropathy; Charcot-Marie-Tooth Neuropathy. Identifiers: Orphanet 166, MedGen C0007959, MONDO:0015626.

Allele frequency attached by ClinVar (database versions not stated): TOPMed 0.00006; gnomAD exomes 0.00007 and 0.00008; ESP Exome Variant Server 0.00008; ExAC 0.00009; gnomAD 0.00013 and 0.00014.
gnomAD v4.1: 118 of 1,613,776 alleles (0.0073%); highest among the groups gnomAD compares: Non-Finnish European, 0.0089%; no homozygotes.

Submissions (10):

Labcorp Genetics (formerly Invitae), Labcorp
Classification: Likely benign for Charcot-Marie-Tooth disease type 2. Last evaluated: 2025-12-16. Review status: criteria provided, single submitter. Criteria: Invitae Variant Classification Sherloc (09022015). Collection method: clinical testing. Allele origin: germline.

Blueprint Genetics
Classification: Likely benign. Last evaluated: 2024-11-21. Review status: criteria provided, single submitter. Criteria: ACMG Guidelines, 2015. Collection method: clinical testing. Allele origin: germline.

CeGaT Center for Human Genetics Tuebingen
Classification: Likely benign. Last evaluated: 2023-02-01. Review status: criteria provided, single submitter. Criteria: CeGaT Center For Human Genetics Tuebingen Variant Classification Criteria Version 2. Collection method: clinical testing. Allele origin: germline. Affected: yes. Observed: 2 variant alleles.
Comment: MFN2: BP4, BP7

Ambry Genetics
Classification: Likely benign for Inborn genetic diseases. Last evaluated: 2019-07-11. Review status: criteria provided, single submitter. Criteria: Ambry Variant Classification Scheme 2023. Collection method: clinical testing. Allele origin: germline.

Athena Diagnostics
Classification: Likely benign. Last evaluated: 2018-08-08. Review status: criteria provided, single submitter. Criteria: Athena Diagnostics Criteria. Collection method: clinical testing. Allele origin: germline.

GeneDx
Classification: Likely benign. Last evaluated: 2016-11-15. Review status: criteria provided, single submitter. Criteria: GeneDx Variant Classification (06012015). Collection method: clinical testing. Allele origin: germline. Affected: yes.
Comment: This variant is considered likely benign or benign based on one or more of the following criteria: it is a conservative change, it occurs at a poorly conserved position in the protein, it is predicted to be benign by multiple in silico algorithms, and/or has population frequency not consistent with disease.

Molecular Genetics Laboratory, London Health Sciences Centre
Classification: Likely benign for Charcot-Marie-Tooth disease. Review status: criteria provided, single submitter. Criteria: ACMG Guidelines, 2015. Collection method: clinical testing. Allele origin: germline. Affected: yes.

PreventionGenetics, part of Exact Sciences
Classification: Likely benign for MFN2-related condition. Last evaluated: 2019-10-29. Review status: no assertion criteria provided. Collection method: clinical testing. Allele origin: germline. Not counted in ClinVar's aggregate classification.
Comment: This variant is classified as likely benign based on ACMG/AMP sequence variant interpretation guidelines (Richards et al. 2015 PMID: 25741868, with internal and published modifications).

Clinical Genetics, Academic Medical Center
Classification: Likely benign. Review status: no assertion criteria provided. Collection method: clinical testing. Allele origin: germline. Affected: yes. Study: VKGL Data-share Consensus. Not counted in ClinVar's aggregate classification.

Genome Diagnostics Laboratory, University Medical Center Utrecht
Classification: Likely benign. Review status: no assertion criteria provided. Collection method: clinical testing. Allele origin: germline. Affected: yes. Study: VKGL Data-share Consensus. Not counted in ClinVar's aggregate classification.